The following is an entry in ClinVar:

NM_000277.3(PAH):c.364C>T (p.Pro122Ser)

Gene: PAH (phenylalanine hydroxylase; minus strand). Cytogenetic location: 12q23.2.
Variant type: single nucleotide variant.
Coding change: c.364C>T on transcript NM_000277.3 (MANE Select); coding-DNA position 364, C replaced by T.
Protein change: p.Pro122Ser; replaces proline 122 with serine.
Molecular consequence: missense variant.
Genome position (GRCh38, 1-based): chr12:102,877,539, G>A on the plus strand (C>T on the coding strand, the complement: PAH is on the minus strand). VCF-style: chr12-102877539-G-A. GRCh37 (hg19) VCF-style: chr12-103271317-G-A.
Other names: c.364C>T, p.Pro122Ser (NM_001354304.2); c.364C>T (NM_000277.2); short protein forms P122S.
Identifiers: ClinVar variation 987906 (VCV000987906.10), dbSNP rs1466564208, ClinGen allele CA16020780.

ClinVar aggregate classification (germline): Likely pathogenic. Review status: reviewed by expert panel (3 of 4 stars). 4 submissions from 4 submitters: Likely pathogenic (1). 3 of the submissions do not count toward it. Last evaluated 2020-07-24.

Conditions:
Phenylketonuria (PKU). Also called: OLIGOPHRENIA PHENYLPYRUVICA; Phenylketonuria (PKU); Phenylketonurias; FOLLING DISEASE. Identifiers: Orphanet 716, MedGen C0031485, MONDO:0009861, OMIM 261600. Disease mechanism: loss of function.

Allele frequency attached by ClinVar (database versions not stated): gnomAD exomes below 0.00001.
gnomAD v4.1: 1 of 1,613,172 alleles (0.000062%); highest among the groups gnomAD compares: South Asian, 0.0011%; no homozygotes.

Submissions (4):

ClinGen PAH Variant Curation Expert Panel
Classification: Likely pathogenic for Phenylketonuria. Last evaluated: 2020-07-24. Review status: reviewed by expert panel. Criteria: ClinGen PAH ACMG Specifications v1. Collection method: curation. Allele origin: germline. Inheritance: Autosomal recessive inheritance.
Comment: A defect in the synthesis or regeneration in the pathways of 6R-BH4 was ruled out by analyzing urinary pterin levels and measuring dihydropteridine reductase activity. This variant was detected in trans with pathogenic variant p.Asp415Asn (PMID 27121329). It was found at extremely low frequency in gnomAD (MAF=0.00003) and predicted deleterious using in silico data. In summary, this variant meets criteria to be classified as likely pathogenic for PAH. PAH-specific ACMG/AMP criteria applied: PM2, PM3, PP4 moderate, and PP3.

Natera, Inc.
Classification: Likely pathogenic for Phenylketonuria. Last evaluated: 2025-02-21. Review status: criteria provided, single submitter. Criteria: Natera Variant Classification Schema (03/2026). Collection method: clinical testing. Allele origin: germline. Not counted in ClinVar's aggregate classification.
Comment: The c.364C>T variant in PAH is a missense variant predicted to cause substitution of proline to serine at amino acid 122. This variant is rare in the general population with a frequency below the threshold expected for the associated phenotype(s). This variant has been observed in one or more individuals affected with the associated recessive disease, as either homozygous or compound heterozygous with a second variant (PMID: 30459323, 23514811). A different variant at the same position has been determined to be Pathogenic or Likely Pathogenic. Computational prediction algorithms indicate this variant is likely to affect gene or protein function. Given the available evidence, this variant is classified as Likely Pathogenic.

Women's Health and Genetics/Laboratory Corporation of America, LabCorp
Classification: Likely pathogenic for Phenylketonuria. Last evaluated: 2024-05-31. Review status: criteria provided, single submitter. Criteria: LabCorp Variant Classification Summary - May 2015. Collection method: clinical testing. Allele origin: germline. Not counted in ClinVar's aggregate classification.
Comment: Variant summary: PAH c.364C>T (p.Pro122Ser) results in a non-conservative amino acid change located in the Aromatic amino acid hydroxylase, C-terminal domain (IPR019774) of the encoded protein sequence. Five of five in-silico tools predict a damaging effect of the variant on protein function. The variant allele was found at a frequency of 4e-06 in 251390 control chromosomes. c.364C>T has been reported in the literature in compound heterozygous individuals affected with mild or classic Phenylalanine Hydroxylase Deficiency (Phenylketonuria) (e.g. Bueno_2013, Chen_2018). These data indicate that the variant may be associated with disease. A different variant affecting the same codon has been classified as pathogenic by our lab (c.365C>A, p.Pro122Gln), supporting the critical relevance of codon 122 to PAH protein function. To our knowledge, no experimental evidence demonstrating an impact on protein function has been reported. The following publications have been ascertained in the context of this evaluation (PMID: 23514811, 30459323). ClinVar contains an entry for this variant (Variation ID: 987906). Based on the evidence outlined above, the variant was classified as likely pathogenic.

Labcorp Genetics (formerly Invitae), Labcorp
Classification: Pathogenic for Phenylketonuria. Last evaluated: 2023-09-03. Review status: criteria provided, single submitter. Criteria: Invitae Variant Classification Sherloc (09022015). Collection method: clinical testing. Allele origin: germline. Not counted in ClinVar's aggregate classification.
Comment: Advanced modeling of protein sequence and biophysical properties (such as structural, functional, and spatial information, amino acid conservation, physicochemical variation, residue mobility, and thermodynamic stability) performed at Invitae indicates that this missense variant is expected to disrupt PAH protein function. For these reasons, this variant has been classified as Pathogenic. This variant disrupts the p.Pro122 amino acid residue in PAH. Other variant(s) that disrupt this residue have been determined to be pathogenic (PMID: 10598814, 12655546). This suggests that this residue is clinically significant, and that variants that disrupt this residue are likely to be disease-causing. ClinVar contains an entry for this variant (Variation ID: 987906). This missense change has been observed in individual(s) with phenylketonuria (PMID: 23514811). This variant is present in population databases (no rsID available, gnomAD 0.003%). This sequence change replaces proline, which is neutral and non-polar, with serine, which is neutral and polar, at codon 122 of the PAH protein (p.Pro122Ser).

Literature cited by the submitters: PubMed 30459323 (cited by 3 submitters); PubMed 23514811 (cited by 3 submitters); PubMed 10598814 (cited by Labcorp Genetics (formerly Invitae), Labcorp); PubMed 12655546 (cited by Labcorp Genetics (formerly Invitae), Labcorp).